The following is an entry in ClinVar:

ClinVar aggregate classification (germline): Uncertain significance. Review status: criteria provided, multiple submitters, no conflicts (2 of 4 stars). 2 submissions from 2 submitters: Uncertain significance (2). Last evaluated 2022-08-31.

gnomAD v4.1: 1 of 1,612,878 alleles (0.000062%); highest among the groups gnomAD compares: Non-Finnish European, 0.000085%; no homozygotes.

Submissions (2):

Labcorp Genetics (formerly Invitae), Labcorp
Classification: Uncertain significance. Last evaluated: 2022-08-31. Review status: criteria provided, single submitter. Criteria: Invitae Variant Classification Sherloc (09022015). Collection method: clinical testing. Allele origin: germline.
Comment: This sequence change replaces threonine, which is neutral and polar, with serine, which is neutral and polar, at codon 682 of the ADGRV1 protein (p.Thr682Ser). This variant is present in population databases (no rsID available, gnomAD 0.0009%). This variant has not been reported in the literature in individuals affected with ADGRV1-related conditions. ClinVar contains an entry for this variant (Variation ID: 938874). Algorithms developed to predict the effect of missense changes on protein structure and function are either unavailable or do not agree on the potential impact of this missense change (SIFT: "Deleterious"; PolyPhen-2: "Possibly Damaging"; Align-GVGD: "Class C0"). In summary, the available evidence is currently insufficient to determine the role of this variant in disease. Therefore, it has been classified as a Variant of Uncertain Significance.

Blueprint Genetics
Classification: Uncertain significance. Last evaluated: 2018-05-24. Review status: criteria provided, single submitter. Criteria: ACMG Guidelines, 2015. Collection method: clinical testing. Allele origin: germline.

NM_032119.4(ADGRV1):c.2045C>G (p.Thr682Ser)

Gene: ADGRV1 (adhesion G protein-coupled receptor V1; plus strand). Cytogenetic location: 5q14.3.
Variant type: single nucleotide variant.
Coding change: c.2045C>G on transcript NM_032119.4 (MANE Select); coding-DNA position 2045, C replaced by G.
Protein change: p.Thr682Ser; replaces threonine 682 with serine.
Molecular consequence: missense variant. On other transcripts: non-coding transcript variant (1).
Genome position (GRCh38, 1-based): chr5:90,637,753, C>G. VCF-style: chr5-90637753-C-G. GRCh37 (hg19) VCF-style: chr5-89933570-C-G.
Other names: short protein forms T682S.
Identifiers: ClinVar variation 938874 (VCV000938874.6), dbSNP rs778971176, ClinGen allele CA360383444.